The following is an entry in ClinVar:

ClinVar aggregate classification (germline): Conflicting classifications of pathogenicity. Review status: criteria provided, conflicting classifications (1 of 4 stars). 2 submissions from 2 submitters: Likely pathogenic (1); Uncertain significance (1). Last evaluated 2025-08-20.

Conditions:
Long QT syndrome (LQTS). Identifiers: MedGen C0023976, MeSH D008133, MONDO:0002442. Disease mechanism: loss of function. Inheritance: Various modes of inheritance.

Submissions (2):

Labcorp Genetics (formerly Invitae), Labcorp
Classification: Likely pathogenic for Long QT syndrome. Last evaluated: 2025-08-20. Review status: criteria provided, single submitter. Criteria: Invitae Variant Classification Sherloc (09022015). Collection method: clinical testing. Allele origin: germline.
Comment: This sequence change replaces isoleucine, which is neutral and non-polar, with methionine, which is neutral and non-polar, at codon 1367 of the CACNA1C protein (p.Ile1367Met). This variant is not present in population databases (gnomAD no frequency). This missense change has been observed in individual(s) with CACNA1C-related conditions (PMID: 36788754). ClinVar contains an entry for this variant (Variation ID: 2683176). Invitae Evidence Modeling of protein sequence and biophysical properties (such as structural, functional, and spatial information, amino acid conservation, physicochemical variation, residue mobility, and thermodynamic stability) indicates that this missense variant is expected to disrupt CACNA1C protein function with a positive predictive value of 95%. This variant disrupts the p.Ile1367 amino acid residue in CACNA1C. Other variant(s) that disrupt this residue have been determined to be pathogenic (internal data). This suggests that this residue is clinically significant, and that variants that disrupt this residue are likely to be disease-causing. In summary, the currently available evidence indicates that the variant is pathogenic, but additional data are needed to prove that conclusively. Therefore, this variant has been classified as Likely Pathogenic.

Mayo Clinic Laboratories, Mayo Clinic
Classification: Uncertain significance. Last evaluated: 2022-08-23. Review status: criteria provided, single submitter. Criteria: ACMG Guidelines, 2015. Collection method: clinical testing. Allele origin: germline. Observed: 1 variant allele.
Comment: PM2_supporting

Literature cited by the submitters: PubMed 36788754 (cited by Labcorp Genetics (formerly Invitae), Labcorp).

NM_000719.7(CACNA1C):c.4101C>G (p.Ile1367Met)

Gene: CACNA1C (calcium voltage-gated channel subunit alpha1 C; plus strand). Cytogenetic location: 12p13.33.
Variant type: single nucleotide variant.
Coding change: c.4101C>G on transcript NM_000719.7 (MANE Select); coding-DNA position 4101, C replaced by G.
Protein change: p.Ile1367Met; replaces isoleucine 1367 with methionine.
Molecular consequence: missense variant.
Genome position (GRCh38, 1-based): chr12:2,653,861, C>G. VCF-style: chr12-2653861-C-G. GRCh37 (hg19) VCF-style: chr12-2763027-C-G.
Other names: p.Ile1367Met; c.4245C>G, p.Ile1415Met (NM_001129827.2, NM_199460.4); c.4167C>G, p.Ile1389Met (NM_001129829.2); c.4101C>G, p.Ile1367Met (NM_001129830.3, NM_001129833.2, NM_001129834.2 and 7 more transcripts); c.4185C>G, p.Ile1395Met (NM_001129831.2); c.4161C>G, p.Ile1387Met (NM_001129832.2); c.4152C>G, p.Ile1384Met (NM_001129836.2); c.4068C>G, p.Ile1356Met (NM_001129837.2, NM_001129838.2, NM_001129846.2 and 1 more transcripts); and 2 more; short protein forms I1367M, I1415M, I1387M, I1395M, I1356M, I1354M, I1364M, I1384M.
Identifiers: ClinVar variation 2683176 (VCV002683176.2), dbSNP rs201174821, ClinGen allele CA301775.